The following is an entry in ClinVar:

NC_000017.10:g.(?_882539)_(882918_?)dup

Gene: NXN (nucleoredoxin; minus strand). Cytogenetic location: 17p13.3.
Variant type: Duplication.
Identifiers: ClinVar variation 1450972 (VCV001450972.4).

ClinVar aggregate classification (germline): Uncertain significance (1 of 4 stars; one submission).

Submission:

Labcorp Genetics (formerly Invitae), Labcorp
Classification: Uncertain significance. Last evaluated: 2022-07-03. Review status: criteria provided, single submitter. Criteria: Invitae Variant Classification Sherloc (09022015). Collection method: clinical testing. Allele origin: germline.
Comment: This variant results in a copy number gain of the genomic region encompassing exon(s) 1 of the NXN gene. This region includes the initiator codon of the gene. This copy number gain extends beyond the assayed region for this gene and therefore may encompass additional genes. As the precise location of this event is unknown, it may be in tandem or it may be located elsewhere in the genome. This variant has not been reported in the literature in individuals affected with NXN-related conditions. In summary, the available evidence is currently insufficient to determine the role of this variant in disease. Therefore, it has been classified as a Variant of Uncertain Significance.